The following is an entry in ClinVar:

ClinVar aggregate classification (germline): Uncertain significance (1 of 4 stars; one submission).

Conditions:
Familial focal epilepsy with variable foci (FPEVF). Identifiers: Orphanet 98820, MedGen C1858477, MONDO:0020310.

Submission:

Labcorp Genetics (formerly Invitae), Labcorp
Classification: Uncertain significance for Familial focal epilepsy with variable foci. Last evaluated: 2021-06-13. Review status: criteria provided, single submitter. Criteria: Invitae Variant Classification Sherloc (09022015). Collection method: clinical testing. Allele origin: germline.
Comment: In summary, the available evidence is currently insufficient to determine the role of this variant in disease. Therefore, it has been classified as a Variant of Uncertain Significance. Algorithms developed to predict the effect of missense changes on protein structure and function are either unavailable or do not agree on the potential impact of this missense change (SIFT: "Tolerated"; PolyPhen-2: "Not Available"; Align-GVGD: "Class C0"). This variant has not been reported in the literature in individuals with DEPDC5-related conditions. ClinVar contains an entry for this variant (Variation ID: 238678). This variant is not present in population databases (ExAC no frequency). This sequence change replaces threonine with alanine at codon 1079 of the DEPDC5 protein (p.Thr1079Ala). The threonine residue is highly conserved and there is a small physicochemical difference between threonine and alanine.

NM_001242896.3(DEPDC5):c.3235A>G (p.Thr1079Ala)

Gene: DEPDC5 (DEP domain containing 5, GATOR1 subcomplex subunit; plus strand). Cytogenetic location: 22q12.3.
Variant type: single nucleotide variant.
Coding change: c.3235A>G on transcript NM_001242896.3 (MANE Select); coding-DNA position 3235, A replaced by G.
Protein change: p.Thr1079Ala; replaces threonine 1079 with alanine.
Molecular consequence: missense variant. On other transcripts: non-coding transcript variant (5).
Genome position (GRCh38, 1-based): chr22:31,857,524, A>G. VCF-style: chr22-31857524-A-G. GRCh37 (hg19) VCF-style: chr22-32253510-A-G.
Other names: c.3208A>G, p.Thr1070Ala (NM_001136029.4, NM_001369903.1, NM_014662.6); c.3001A>G, p.Thr1001Ala (NM_001242897.2, NM_001363854.2, NM_001364319.2); c.3235A>G, p.Thr1079Ala (NM_001363852.2, NM_001364318.2, NM_001364320.2); c.3151A>G, p.Thr1051Ala (NM_001369901.1, NM_001369902.1); short protein forms T1001A, T1079A, T1070A, T1051A.
Identifiers: ClinVar variation 238678 (VCV000238678.9), dbSNP rs878854278, ClinGen allele CA10583927.